The following is an entry in ClinVar:

ClinVar aggregate classification (germline): Benign/Likely benign. Review status: criteria provided, multiple submitters, no conflicts (2 of 4 stars). 3 submissions from 3 submitters: Benign (1); Likely benign (2). Last evaluated 2026-08-18.

Conditions:
DICER1-related tumor predisposition. Also called: DICER1-related pleuropulmonary blastoma cancer predisposition syndrome; DICER1 syndrome. Identifiers: Orphanet 284343, MedGen C3839822, MONDO:0100216.
Hereditary cancer-predisposing syndrome. Also called: Hereditary Cancer Syndrome; Hereditary neoplastic syndrome; Neoplastic Syndromes, Hereditary; Tumor predisposition. Identifiers: Orphanet 140162, MedGen C0027672, MeSH D009386, MONDO:0015356.

Allele frequency attached by ClinVar (database versions not stated): gnomAD exomes 0.00001.

Submissions (3):

Myriad Genetics, Inc.
Classification: Benign for DICER1-related tumor predisposition. Last evaluated: 2026-08-18. Review status: criteria provided, single submitter. Criteria: Myriad Autosomal Dominant, Autosomal Recessive and X-Linked Classification Criteria (2023). Collection method: clinical testing. Allele origin: unknown.
Comment: This variant is considered benign. This variant is a silent/synonymous amino acid change and it is not expected to impact splicing.

Labcorp Genetics (formerly Invitae), Labcorp
Classification: Likely benign for DICER1-related tumor predisposition. Last evaluated: 2026-01-02. Review status: criteria provided, single submitter. Criteria: Invitae Variant Classification Sherloc (09022015). Collection method: clinical testing. Allele origin: germline.

Ambry Genetics
Classification: Likely benign for Hereditary cancer-predisposing syndrome. Last evaluated: 2018-11-29. Review status: criteria provided, single submitter. Criteria: Ambry Variant Classification Scheme 2023. Collection method: clinical testing. Allele origin: germline.

NM_177438.3(DICER1):c.4932T>A (p.Ile1644=)

Gene: DICER1 (dicer 1, ribonuclease III; minus strand). Cytogenetic location: 14q32.13.
Variant type: single nucleotide variant.
Coding change: c.4932T>A on transcript NM_177438.3 (MANE Select); coding-DNA position 4932, T replaced by A.
Protein change: p.Ile1644=; no amino-acid change (isoleucine 1644 retained).
Molecular consequence: synonymous variant.
Genome position (GRCh38, 1-based): chr14:95,095,988, A>T on the plus strand (T>A on the coding strand, the complement: DICER1 is on the minus strand). VCF-style: chr14-95095988-A-T. GRCh37 (hg19) VCF-style: chr14-95562325-A-T.
Other names: c.4932T>A, p.Ile1644= (NM_001195573.1, NM_001271282.3, NM_001291628.2 and 1 more transcripts).
Identifiers: ClinVar variation 417069 (VCV000417069.18), dbSNP rs1060504966, ClinGen allele CA16614493.